The following is an entry in ClinVar:

ClinVar aggregate classification (germline): Uncertain significance (1 of 4 stars; one submission).

gnomAD v4.1: 16 of 1,560,732 alleles (0.001%); highest among the groups gnomAD compares: South Asian, 0.0012%; no homozygotes.

Submission:

Dasa
Classification: Uncertain significance. Last evaluated: 2025-11-12. Review status: criteria provided, single submitter. Criteria: DASA Assertion Criteria. Collection method: clinical testing. Allele origin: germline.
Comment: NM_020971.3(SPTBN4):c.5662G>A (p.Val1888Met) is a missense variant that results in the substitution of valine with methionine. This variant is rare in population databases. The currently available literature and clinical evidence are not sufficient to establish a definitive association between this variant and the reported condition. Therefore, this variant is classified as a variant of uncertain significance.

NM_020971.3(SPTBN4):c.5662G>A (p.Val1888Met)

Gene: SPTBN4 (spectrin beta, non-erythrocytic 4; plus strand). Cytogenetic location: 19q13.2.
Variant type: single nucleotide variant.
Coding change: c.5662G>A on transcript NM_020971.3 (MANE Select); coding-DNA position 5662, G replaced by A.
Protein change: p.Val1888Met; replaces valine 1888 with methionine.
Molecular consequence: missense variant.
Genome position (GRCh38, 1-based): chr19:40,557,395, G>A. VCF-style: chr19-40557395-G-A. GRCh37 (hg19) VCF-style: chr19-41063301-G-A.
Other names: c.1690G>A, p.Val564Met (NM_025213.3); short protein forms V1888M, V564M.
Identifiers: ClinVar variation 4886140 (VCV004886140.2).
Genomic context (GRCh38, chr19:40,557,395, plus strand): 5'-CCCAGTGCCAGTTCCATGCAGCGGACCCTGAGAGCCTTTGAGCATGACCTGCAGCTCCTC[G>A]TGTCCCAGGTGGGGCGCCGGTGGCCATCAGGGCAGGTGGGAGGGCCTGGACAGCTGTGGG-3'
Protein context (NP_066022.2, residues 1878-1898): RAFEHDLQLL[Val1888Met]SQVRQLQEGA